The following is an entry in ClinVar:

NM_016507.4(CDK12):c.1595T>G (p.Ile532Ser)

Gene: CDK12 (cyclin dependent kinase 12; plus strand). Cytogenetic location: 17q12.
Variant type: single nucleotide variant.
Coding change: c.1595T>G on transcript NM_016507.4 (MANE Select); coding-DNA position 1595, T replaced by G.
Protein change: p.Ile532Ser; replaces isoleucine 532 with serine.
Molecular consequence: missense variant.
Genome position (GRCh38, 1-based): chr17:39,471,427, T>G. VCF-style: chr17-39471427-T-G. GRCh37 (hg19) VCF-style: chr17-37627680-T-G.
Other names: c.1595T>G, p.Ile532Ser (NM_015083.4); short protein forms I532S.
Identifiers: ClinVar variation 3830686 (VCV003830686.1).
Genomic context (GRCh38, chr17:39,471,427, plus strand): 5'-TTGTTACTCCAAAGGAGACAGAAACATCAGAAAAGGAGACCCCTCCACCTCTTCCCACAA[T>G]TGCTTCTCCCCCACCCCCTCTACCAACTACTACCCCTCCACCTCAGACACCCCCTTTGCC-3'
Protein context (NP_057591.2, residues 522-542): EKETPPPLPT[Ile532Ser]ASPPPPLPTT

ClinVar aggregate classification (germline): Uncertain significance (1 of 4 stars; one submission).

gnomAD v4.1: 5 of 1,613,198 alleles (0.00031%); highest among the groups gnomAD compares: South Asian, 0.0044%; no homozygotes.

Submission:

Ambry Genetics
Classification: Uncertain significance. Last evaluated: 2025-02-19. Review status: criteria provided, single submitter. Criteria: Ambry Variant Classification Scheme 2023. Collection method: clinical testing. Allele origin: germline.
Comment: The p.I532S variant (also known as c.1595T>G), located in coding exon 2 of the CDK12 gene, results from a T to G substitution at nucleotide position 1595. The isoleucine at codon 532 is replaced by serine, an amino acid with dissimilar properties. This amino acid position is conserved. In addition, this alteration is predicted to be tolerated by in silico analysis. Based on the available evidence, the clinical significance of this variant remains unclear.